The following is an entry in ClinVar:

ClinVar aggregate classification (germline): Uncertain significance (1 of 4 stars; one submission).

Submission:

Labcorp Genetics (formerly Invitae), Labcorp
Classification: Uncertain significance. Last evaluated: 2020-02-20. Review status: criteria provided, single submitter. Criteria: Invitae Variant Classification Sherloc (09022015). Collection method: clinical testing. Allele origin: germline.
Comment: This sequence change replaces arginine with glycine at codon 261 of the LMX1B protein (p.Arg261Gly). The arginine residue is highly conserved and there is a moderate physicochemical difference between arginine and glycine. This variant is not present in population databases (ExAC no frequency). This variant has not been reported in the literature in individuals with LMX1B-related conditions. Algorithms developed to predict the effect of missense changes on protein structure and function are either unavailable or do not agree on the potential impact of this missense change (SIFT: "Deleterious"; PolyPhen-2: "Probably Damaging"; Align-GVGD: "Class C0"). This variant disrupts the p.Arg261 amino acid residue in LMX1B. Other variant(s) that disrupt this residue have been observed in individuals with LMX1B-related conditions (PMID: 15498463, 22574102, Invitae), which suggests that this may be a clinically significant amino acid residue. In summary, the available evidence is currently insufficient to determine the role of this variant in disease. Therefore, it has been classified as a Variant of Uncertain Significance.

Literature cited by the submitters: PubMed 15498463; PubMed 22574102.

NM_001174147.2(LMX1B):c.781C>G (p.Arg261Gly)

Gene: LMX1B (LIM homeobox transcription factor 1 beta; plus strand). Cytogenetic location: 9q33.3.
Variant type: single nucleotide variant.
Coding change: c.781C>G on transcript NM_001174147.2 (MANE Select); coding-DNA position 781, C replaced by G.
Protein change: p.Arg261Gly; replaces arginine 261 with glycine.
Molecular consequence: missense variant.
Genome position (GRCh38, 1-based): chr9:126,693,563, C>G. VCF-style: chr9-126693563-C-G. GRCh37 (hg19) VCF-style: chr9-129455842-C-G.
Other names: c.781C>G, p.Arg261Gly (NM_001174146.2, NM_002316.4); short protein forms R261G.
Identifiers: ClinVar variation 1023114 (VCV001023114.9), dbSNP rs886039576, ClinGen allele CA374913880.
Genomic context (GRCh38, chr9:126,693,563, plus strand): 5'-GTTCCCCTCTCTCTGAGCCAGGTCCGAGAGACACTGGCAGCTGAGACGGGCCTCAGTGTG[C>G]GCGTGGTCCAGGTCTGGTTTCAGAACCAAAGAGCAAAGGTAAGAGGCCACCCCCCATCCC-3'
Protein context (NP_001167618.1, residues 251-271): TLAAETGLSV[Arg261Gly]VVQVWFQNQR